The following is an entry in ClinVar:

ClinVar aggregate classification (germline): Pathogenic. Review status: criteria provided, multiple submitters, no conflicts (2 of 4 stars). 2 submissions from 2 submitters: Pathogenic (2). Last evaluated 2025-10-06.

Conditions:
LRP5-related disorder. Also called: LRP5-related condition.

gnomAD v4.1: 5 of 1,613,438 alleles (0.00031%); highest among the groups gnomAD compares: South Asian, 0.0011%; no homozygotes.

Submissions (2):

Labcorp Genetics (formerly Invitae), Labcorp
Classification: Pathogenic. Last evaluated: 2025-10-06. Review status: criteria provided, single submitter. Criteria: Invitae Variant Classification Sherloc (09022015). Collection method: clinical testing. Allele origin: germline.
Comment: This sequence change replaces arginine, which is basic and polar, with histidine, which is basic and polar, at codon 450 of the LRP5 protein (p.Arg450His). This variant is present in population databases (no rsID available, gnomAD 0.005%). This missense change has been observed in individuals with familial exudative vitreoretinopathy (PMID: 30452590, 34860240). Invitae Evidence Modeling of protein sequence and biophysical properties (such as structural, functional, and spatial information, amino acid conservation, physicochemical variation, residue mobility, and thermodynamic stability) indicates that this missense variant is expected to disrupt LRP5 protein function with a positive predictive value of 95%. This variant disrupts the p.Arg450 amino acid residue in LRP5. Other variant(s) that disrupt this residue have been determined to be pathogenic (internal data). This suggests that this residue is clinically significant, and that variants that disrupt this residue are likely to be disease-causing. For these reasons, this variant has been classified as Pathogenic.

Blueprint Genetics
Classification: Pathogenic for LRP5-related disorders. Last evaluated: 2021-10-04. Review status: criteria provided, single submitter. Criteria: ACMG Guidelines, 2015. Collection method: clinical testing. Allele origin: germline. Affected: yes. Observed: 1 variant allele.

Literature cited by the submitters: PubMed 30452590 (cited by Labcorp Genetics (formerly Invitae), Labcorp); PubMed 34860240 (cited by Labcorp Genetics (formerly Invitae), Labcorp).

NM_002335.4(LRP5):c.1349G>A (p.Arg450His)

Gene: LRP5 (LDL receptor related protein 5; plus strand). Cytogenetic location: 11q13.2.
Variant type: single nucleotide variant.
Coding change: c.1349G>A on transcript NM_002335.4 (MANE Select); coding-DNA position 1349, G replaced by A.
Protein change: p.Arg450His; replaces arginine 450 with histidine.
Molecular consequence: missense variant. On other transcripts: 5 prime UTR variant (1).
Genome position (GRCh38, 1-based): chr11:68,386,649, G>A. VCF-style: chr11-68386649-G-A. GRCh37 (hg19) VCF-style: chr11-68154117-G-A.
Other names: c.-417G>A (NM_001291902.2); short protein forms R450H.
Identifiers: ClinVar variation 4751049 (VCV004751049.2).